The following is an entry in ClinVar:

NC_000007.13:g.(?_33185923)_(33193039_?)del

Gene: BBS9 (Bardet-Biedl syndrome 9; plus strand). Cytogenetic location: 7p14.3.
Variant type: Deletion.
Identifiers: ClinVar variation 3245740 (VCV003245740.1).

ClinVar aggregate classification (germline): Likely pathogenic (1 of 4 stars; one submission).

Conditions:
Bardet-Biedl syndrome (BBS). Identifiers: Orphanet 110, MedGen C0752166, MONDO:0015229.

Submission:

Labcorp Genetics (formerly Invitae), Labcorp
Classification: Likely pathogenic for Bardet-Biedl syndrome. Last evaluated: 2023-11-16. Review status: criteria provided, single submitter. Criteria: Invitae Variant Classification Sherloc (09022015). Collection method: clinical testing. Allele origin: unknown.
Comment: This variant results in the deletion of exon 3 and part of exon 2 (c.59_263+576del) of the BBS9 gene. It is expected to disrupt RNA splicing. Variants that disrupt the donor or acceptor splice site typically lead to a loss of protein function (PMID: 16199547), and loss-of-function variants in BBS9 are known to be pathogenic (PMID: 16380913, 20177705). This variant has not been reported in the literature in individuals affected with BBS9-related conditions. This variant disrupts a region of the BBS9 protein in which other variant(s) (p.Val81Glu) have been observed in individuals with BBS9-related conditions (PMID: 20177705). This suggests that this is a clinically significant region of the protein, and that variants that disrupt it are likely to be disease-causing. In summary, the currently available evidence indicates that the variant is pathogenic, but additional data are needed to prove that conclusively. Therefore, this variant has been classified as Likely Pathogenic.

Literature cited by the submitters: PubMed 16199547; PubMed 16380913; PubMed 20177705.